The following is an entry in ClinVar:

NM_001042492.3(NF1):c.5669_5690del (p.Gly1890fs)

Gene: NF1 (neurofibromin 1; plus strand). Cytogenetic location: 17q11.2.
Variant type: Deletion.
Coding change: c.5669_5690del on transcript NM_001042492.3 (MANE Select); coding-DNA positions 5669 to 5690, 22 bases deleted (GCCAGTTACTAGAGACATCAGG).
Protein change: p.Gly1890fs; shifts the reading frame from glycine 1890.
Molecular consequence: frameshift variant.
Genome position (GRCh38, 1-based): chr17:31,330,355-31,330,376, GCCAGTTACTAGAGACATCAGG deleted; deleting any 22 consecutive bases within chr17:31,330,352-31,330,376 gives the same sequence; the c. name uses the placement nearest the transcript's 3' end. VCF-style (leftmost placement, unchanged base first): chr17-31330351-GAGGGCCAGTTACTAGAGACATC-G. GRCh37 (hg19) VCF-style: chr17-29657369-GAGGGCCAGTTACTAGAGACATC-G.
Other names: c.5606_5627delGCCAGTTACTAGAGACATCAGG (NM_000267.3); c.5606_5627del22, p.Gly1869Valfs (NM_000267.4); short protein forms G1869fs, G1890fs.
Identifiers: ClinVar variation 654611 (VCV000654611.5), dbSNP rs1597834703, ClinGen allele CA915949850.

ClinVar aggregate classification (germline): Pathogenic (1 of 4 stars; one submission).

Conditions:
Neurofibromatosis, type 1 (NF1). Also called: VON RECKLINGHAUSEN DISEASE; NEUROFIBROMATOSIS, TYPE I, SOMATIC; Peripheral type neurofibromatosis; Neurofibromatosis, type I. Identifiers: Orphanet 636, MedGen C0027831, MONDO:0018975, OMIM 162200. Disease mechanism: loss of function.

Submission:

Labcorp Genetics (formerly Invitae), Labcorp
Classification: Pathogenic for Neurofibromatosis, type 1. Last evaluated: 2018-11-28. Review status: criteria provided, single submitter. Criteria: Invitae Variant Classification Sherloc (09022015). Collection method: clinical testing. Allele origin: germline.
Comment: For these reasons, this variant has been classified as Pathogenic. Loss-of-function variants in NF1 are known to be pathogenic (PMID: 10712197, 23913538). Algorithms developed to predict the effect of sequence changes on RNA splicing suggest that this variant may create or strengthen a splice site, but this prediction has not been confirmed by published transcriptional studies. This variant has not been reported in the literature in individuals with NF1-related conditions. This variant is not present in population databases (ExAC no frequency). This sequence change creates a premature translational stop signal (p.Gly1869Valfs*28) in the NF1 gene. It is expected to result in an absent or disrupted protein product.

Literature cited by the submitters: PubMed 10712197; PubMed 23913538.